The following is an entry in ClinVar:

ClinVar aggregate classification (germline): Uncertain significance. Review status: criteria provided, multiple submitters, no conflicts (2 of 4 stars). 4 submissions from 4 submitters: Uncertain significance (4). Last evaluated 2024-10-11.

Conditions:
Familial thoracic aortic aneurysm and aortic dissection (TAAD). Also called: Thoracic aortic aneurysms and dissections. Identifiers: Orphanet 91387, MedGen C4707243, MONDO:0019625.

Submissions (4):

Ambry Genetics
Classification: Uncertain significance for Familial thoracic aortic aneurysm and aortic dissection. Last evaluated: 2024-10-11. Review status: criteria provided, single submitter. Criteria: Ambry Variant Classification Scheme 2023. Collection method: clinical testing. Allele origin: germline.
Comment: The c.1147+4A>G intronic variant results from an A to G substitution 4 nucleotides after coding exon 9 in the FBN1 gene. This nucleotide position is not well conserved in available vertebrate species. In silico splice site analysis predicts that this alteration may weaken the native splice donor site. Based on the available evidence, the clinical significance of this variant remains unclear.

Women's Health and Genetics/Laboratory Corporation of America, LabCorp
Classification: Uncertain significance. Last evaluated: 2023-05-24. Review status: criteria provided, single submitter. Criteria: LabCorp Variant Classification Summary - May 2015. Collection method: clinical testing. Allele origin: germline.
Comment: Variant summary: FBN1 c.1147+4A>G alters a conserved nucleotide located close to a canonical splice site and therefore could affect mRNA splicing, leading to a significantly altered protein sequence. 4/4 computational tools predict no significant impact on normal splicing. However, these predictions have yet to be confirmed by functional studies. The variant was absent in 251100 control chromosomes. The available data on variant occurrences in the general population are insufficient to allow any conclusion about variant significance. To our knowledge, no occurrence of c.1147+4A>G in individuals affected with Marfan Syndrome and no experimental evidence demonstrating its impact on protein function have been reported. One clinical diagnostic laboratory has submitted clinical-significance assessments for this variant to ClinVar after 2014 and classified the variant as uncertain significance. Based on the evidence outlined above, the variant was classified as uncertain significance.

Color Diagnostics, LLC DBA Color Health
Classification: Uncertain significance for Familial thoracic aortic aneurysm and aortic dissection. Last evaluated: 2019-10-07. Review status: criteria provided, single submitter. Criteria: ACMG Guidelines, 2015. Collection method: clinical testing. Allele origin: germline.
Comment: This variant causes an A>G nucleotide substitution at the +4 position of intron 10 of the FBN1 gene. Splice site prediction tools and conservation analysis are inconclusive regarding the impact of this variant on RNA splicing. To our knowledge, functional studies have not been performed for this variant. This variant has not been reported in individuals affected with cardiovascular disorders in the literature. This variant has not been identified in the general population by the Genome Aggregation Database (gnomAD). The available evidence is insufficient to determine the role of this variant in disease conclusively. Therefore, this variant is classified as a Variant of Uncertain Significance.

Blueprint Genetics
Classification: Uncertain significance. Last evaluated: 2019-01-24. Review status: criteria provided, single submitter. Criteria: ACMG Guidelines, 2015. Collection method: clinical testing. Allele origin: germline.

NM_000138.5(FBN1):c.1147+4A>G

Genes: FBN1 (fibrillin 1; minus strand), LOC113939944 (Sharpr-MPRA regulatory region 9539; plus strand). Cytogenetic location: 15q21.1.
Variant type: single nucleotide variant.
Coding change: c.1147+4A>G on transcript NM_000138.5 (MANE Select); 4 bases into the intron after coding-DNA position 1147, A replaced by G.
Molecular consequence: intron variant.
Genome position (GRCh38, 1-based): chr15:48,520,655, T>C on the plus strand (A>G on the coding strand, the complement: FBN1 is on the minus strand). VCF-style: chr15-48520655-T-C. GRCh37 (hg19) VCF-style: chr15-48812852-T-C.
Identifiers: ClinVar variation 928091 (VCV000928091.7), dbSNP rs2043844451, ClinGen allele CA1139663982.
Genomic context (GRCh38, chr15:48,520,655, plus strand): 5'-CATTGCCACTGGGCTTGTGAGGGCTGGGATGGGATATTCTGCAGATAACTGGAAGGGCTC[T>C]TACCGGTTGCTCTGATGGGACACATCTCAGGGGCGACAGTGACCCCTGGAGACCAGCATC-3'